The following is an entry in ClinVar:

NM_182916.3(TRNT1):c.412G>A (p.Val138Ile)

Gene: TRNT1 (tRNA nucleotidyl transferase 1; plus strand). Cytogenetic location: 3p26.2.
Variant type: single nucleotide variant.
Coding change: c.412G>A on transcript NM_182916.3 (MANE Select); coding-DNA position 412, G replaced by A.
Protein change: p.Val138Ile; replaces valine 138 with isoleucine.
Molecular consequence: missense variant. On other transcripts: non-coding transcript variant (6).
Genome position (GRCh38, 1-based): chr3:3,140,579, G>A. VCF-style: chr3-3140579-G-A. GRCh37 (hg19) VCF-style: chr3-3182263-G-A.
Other names: c.412G>A, p.Val138Ile (NM_001302946.2, NM_001367321.1, NM_001367322.1 and 1 more transcripts); short protein forms V138I.
Identifiers: ClinVar variation 1494828 (VCV001494828.6), dbSNP rs907649149, ClinGen allele CA68727836.

ClinVar aggregate classification (germline): Uncertain significance (1 of 4 stars; one submission).

Conditions:
Congenital sideroblastic anemia-B-cell immunodeficiency-periodic fever-developmental delay syndrome. Also called: Sideroblastic anemia with B-cell immunodeficiency, periodic fevers, and developmental delay. Identifiers: Orphanet 369861, MedGen C4015172, MONDO:0014487, OMIM 616084.

Allele frequency attached by ClinVar (database versions not stated): gnomAD exomes below 0.00001.
gnomAD v4.1: 3 of 1,614,178 alleles (0.00019%); highest among the groups gnomAD compares: Non-Finnish European, 0.00025%; no homozygotes.

Submission:

Labcorp Genetics (formerly Invitae), Labcorp
Classification: Uncertain significance for Congenital sideroblastic anemia-B-cell immunodeficiency-periodic fever-developmental delay syndrome. Last evaluated: 2024-02-24. Review status: criteria provided, single submitter. Criteria: Invitae Variant Classification Sherloc (09022015). Collection method: clinical testing. Allele origin: germline.
Comment: This sequence change replaces valine, which is neutral and non-polar, with isoleucine, which is neutral and non-polar, at codon 138 of the TRNT1 protein (p.Val138Ile). This variant is not present in population databases (gnomAD no frequency). This variant has not been reported in the literature in individuals affected with TRNT1-related conditions. ClinVar contains an entry for this variant (Variation ID: 1494828). Advanced modeling of protein sequence and biophysical properties (such as structural, functional, and spatial information, amino acid conservation, physicochemical variation, residue mobility, and thermodynamic stability) performed at Invitae indicates that this missense variant is not expected to disrupt TRNT1 protein function with a negative predictive value of 80%. In summary, the available evidence is currently insufficient to determine the role of this variant in disease. Therefore, it has been classified as a Variant of Uncertain Significance.